The following is an entry in ClinVar:

ClinVar aggregate classification (germline): Uncertain significance (1 of 4 stars; one submission).

Submission:

Labcorp Genetics (formerly Invitae), Labcorp
Classification: Uncertain significance. Last evaluated: 2024-11-04. Review status: criteria provided, single submitter. Criteria: Invitae Variant Classification Sherloc (09022015). Collection method: clinical testing. Allele origin: germline.
Comment: This sequence change replaces phenylalanine, which is neutral and non-polar, with valine, which is neutral and non-polar, at codon 702 of the ERBIN protein (p.Phe702Val). This variant is not present in population databases (gnomAD no frequency). This variant has not been reported in the literature in individuals affected with ERBIN-related conditions. An algorithm developed to predict the effect of missense changes on protein structure and function (PolyPhen-2) suggests that this variant is likely to be tolerated. In summary, the available evidence is currently insufficient to determine the role of this variant in disease. Therefore, it has been classified as a Variant of Uncertain Significance.

NM_001253697.2(ERBIN):c.2104T>G (p.Phe702Val)

Gene: ERBIN (erbb2 interacting protein; plus strand). Cytogenetic location: 5q12.3.
Variant type: single nucleotide variant.
Coding change: c.2104T>G on transcript NM_001253697.2 (MANE Select); coding-DNA position 2104, T replaced by G.
Protein change: p.Phe702Val; replaces phenylalanine 702 with valine.
Molecular consequence: missense variant.
Genome position (GRCh38, 1-based): chr5:66,053,422, T>G. VCF-style: chr5-66053422-T-G. GRCh37 (hg19) VCF-style: chr5-65349250-T-G.
Other names: c.2104T>G, p.Phe702Val (NM_001006600.3, NM_001253698.2, NM_001253699.2 and 1 more transcripts); c.2092T>G, p.Phe698Val (NM_001253701.2); short protein forms F698V, F702V.
Identifiers: ClinVar variation 3673525 (VCV003673525.2).